The following is an entry in ClinVar:

ClinVar aggregate classification (germline): Uncertain significance (1 of 4 stars; one submission).

Conditions:
Rhabdoid tumor predisposition syndrome 2 (RTPS2). Identifiers: Orphanet 231108, Orphanet 69077, MedGen C2750074, MONDO:0013224, OMIM 613325.

Submission:

Labcorp Genetics (formerly Invitae), Labcorp
Classification: Uncertain significance for Rhabdoid tumor predisposition syndrome 2. Last evaluated: 2023-05-02. Review status: criteria provided, single submitter. Criteria: Invitae Variant Classification Sherloc (09022015). Collection method: clinical testing. Allele origin: germline.
Comment: In summary, the available evidence is currently insufficient to determine the role of this variant in disease. Therefore, it has been classified as a Variant of Uncertain Significance. Variants that disrupt the consensus splice site are a relatively common cause of aberrant splicing (PMID: 17576681, 9536098). Algorithms developed to predict the effect of sequence changes on RNA splicing suggest that this variant is not likely to affect RNA splicing. This variant has not been reported in the literature in individuals affected with SMARCA4-related conditions. This variant is not present in population databases (gnomAD no frequency). This sequence change falls in intron 32 of the SMARCA4 gene. It does not directly change the encoded amino acid sequence of the SMARCA4 protein. It affects a nucleotide within the consensus splice site.

Literature cited by the submitters: PubMed 17576681; PubMed 9536098.

NM_003072.5(SMARCA4):c.4533+5C>G

Gene: SMARCA4 (SWI/SNF related BAF chromatin remodeling complex subunit ATPase 4; plus strand). Cytogenetic location: 19p13.2.
Variant type: single nucleotide variant.
Coding change: c.4533+5C>G on transcript NM_003072.5 (MANE Select); 5 bases into the intron after coding-DNA position 4533, C replaced by G.
Molecular consequence: intron variant.
Genome position (GRCh38, 1-based): chr19:11,058,368, C>G. VCF-style: chr19-11058368-C-G. GRCh37 (hg19) VCF-style: chr19-11169044-C-G.
Other names: c.4533+5C>G (NM_001128844.3); c.4629+5C>G (NM_001128849.3, NM_001387283.1); c.4434+5C>G (NM_001128847.4, NM_001374457.1); c.4530+5C>G (NM_001411150.1); c.4443+5C>G (NM_001128845.2); c.4440+5C>G (NM_001128846.2); c.4431+5C>G (NM_001128848.2).
Identifiers: ClinVar variation 2821819 (VCV002821819.3), dbSNP rs778368597, ClinGen allele CA2735343472.